The following is an entry in ClinVar:

ClinVar aggregate classification (germline): Uncertain significance (1 of 4 stars; one submission).

Allele frequency attached by ClinVar (database versions not stated): gnomAD exomes below 0.00001.
gnomAD v4.1: 1 of 1,613,728 alleles (0.000062%); highest among the groups gnomAD compares: Non-Finnish European, 0.000085%; no homozygotes.

Submission:

Ambry Genetics
Classification: Uncertain significance. Last evaluated: 2024-02-05. Review status: criteria provided, single submitter. Criteria: Ambry Variant Classification Scheme 2023. Collection method: clinical testing. Allele origin: germline.
Comment: Does not currently meet published gene-disease clinical validity criteria Based on insufficient or conflicting evidence, the clinical significance of this alteration remains unclear.

Literature cited by the submitters: PubMed 28106320.

NM_000236.3(LIPC):c.536G>A (p.Ser179Asn)

Gene: LIPC (lipase C, hepatic type; plus strand). Cytogenetic location: 15q21.3.
Variant type: single nucleotide variant.
Coding change: c.536G>A on transcript NM_000236.3 (MANE Select); coding-DNA position 536, G replaced by A.
Protein change: p.Ser179Asn; replaces serine 179 with asparagine.
Molecular consequence: missense variant.
Genome position (GRCh38, 1-based): chr15:58,542,613, G>A. VCF-style: chr15-58542613-G-A. GRCh37 (hg19) VCF-style: chr15-58834812-G-A.
Other names: short protein forms S179N.
Identifiers: ClinVar variation 3119029 (VCV003119029.1), dbSNP rs369742319, ClinGen allele CA271694376.
Genomic context (GRCh38, chr15:58,542,613, plus strand): 5'-GAAGCCATGTTCACCTAATTGGGTACAGCCTGGGTGCACACGTGTCAGGATTTGCCGGCA[G>A]TTCCATCGGTGGAACGCACAAGATTGGGAGAATCACAGGTAACCATGCCTAATAACTCAC-3'
Protein context (NP_000227.2, residues 169-189): LGAHVSGFAG[Ser179Asn]SIGGTHKIGR